The following is an entry in ClinVar:

ClinVar aggregate classification (germline): Uncertain significance (1 of 4 stars; one submission).

Conditions:
Cone-rod dystrophy 13 (CORD13). Identifiers: Orphanet 1872, MedGen C2750720, MONDO:0011987, OMIM 608194.
Leber congenital amaurosis 6 (LCA6). Identifiers: Orphanet 65, MedGen C1854260, MONDO:0013446, OMIM 613826.

Allele frequency attached by ClinVar (database versions not stated): gnomAD exomes below 0.00001.

Submission:

Labcorp Genetics (formerly Invitae), Labcorp
Classification: Uncertain significance for Leber congenital amaurosis 6; Cone-rod dystrophy 13. Last evaluated: 2021-06-19. Review status: criteria provided, single submitter. Criteria: Invitae Variant Classification Sherloc (09022015). Collection method: clinical testing. Allele origin: germline.
Comment: In summary, the available evidence is currently insufficient to determine the role of this variant in disease. Therefore, it has been classified as a Variant of Uncertain Significance. Algorithms developed to predict the effect of missense changes on protein structure and function are either unavailable or do not agree on the potential impact of this missense change (SIFT: "Tolerated"; PolyPhen-2: "Possibly Damaging"; Align-GVGD: "Class C0"). This variant has not been reported in the literature in individuals with RPGRIP1-related conditions. This variant is not present in population databases (ExAC no frequency). This sequence change replaces methionine with threonine at codon 1118 of the RPGRIP1 protein (p.Met1118Thr). The methionine residue is moderately conserved and there is a moderate physicochemical difference between methionine and threonine.

NM_020366.4(RPGRIP1):c.3353T>C (p.Met1118Thr)

Gene: RPGRIP1 (RPGR interacting protein 1; plus strand). Cytogenetic location: 14q11.2.
Variant type: single nucleotide variant.
Coding change: c.3353T>C on transcript NM_020366.4 (MANE Select); coding-DNA position 3353, T replaced by C.
Protein change: p.Met1118Thr; replaces methionine 1118 with threonine.
Molecular consequence: missense variant.
Genome position (GRCh38, 1-based): chr14:21,343,049, T>C. VCF-style: chr14-21343049-T-C. GRCh37 (hg19) VCF-style: chr14-21811208-T-C.
Other names: c.1331T>C, p.Met444Thr (NM_001377523.1, NM_001377950.1); c.2279T>C, p.Met760Thr (NM_001377948.1); c.1439T>C, p.Met480Thr (NM_001377949.1); c.836T>C, p.Met279Thr (NM_001377951.1); short protein forms M1118T, M480T, M279T, M444T, M760T.
Identifiers: ClinVar variation 1368977 (VCV001368977.8), dbSNP rs1194195334, ClinGen allele CA388856750.